The following is an entry in ClinVar:

NM_005876.5(SPEG):c.8725G>A (p.Ala2909Thr)

Genes: ASIC4-AS1 (ASIC4 antisense RNA 1; minus strand), SPEG (striated muscle enriched protein kinase; plus strand). Cytogenetic location: 2q35.
Variant type: single nucleotide variant.
Coding change: c.8725G>A on transcript NM_005876.5 (MANE Select); coding-DNA position 8725, G replaced by A.
Protein change: p.Ala2909Thr; replaces alanine 2909 with threonine.
Molecular consequence: missense variant.
Genome position (GRCh38, 1-based): chr2:219,489,743, G>A. VCF-style: chr2-219489743-G-A. GRCh37 (hg19) VCF-style: chr2-220354465-G-A.
Other names: short protein forms A2909T.
Identifiers: ClinVar variation 1929093 (VCV001929093.2), dbSNP rs1426093021, ClinGen allele CA350712204.

ClinVar aggregate classification (germline): Uncertain significance (1 of 4 stars; one submission).

Allele frequency attached by ClinVar (database versions not stated): gnomAD exomes below 0.00001.

Submission:

Labcorp Genetics (formerly Invitae), Labcorp
Classification: Uncertain significance. Last evaluated: 2022-07-18. Review status: criteria provided, single submitter. Criteria: Invitae Variant Classification Sherloc (09022015). Collection method: clinical testing. Allele origin: germline.
Comment: This sequence change replaces alanine, which is neutral and non-polar, with threonine, which is neutral and polar, at codon 2909 of the SPEG protein (p.Ala2909Thr). This variant is present in population databases (no rsID available, gnomAD 0.003%). This variant has not been reported in the literature in individuals affected with SPEG-related conditions. Algorithms developed to predict the effect of missense changes on protein structure and function are either unavailable or do not agree on the potential impact of this missense change (SIFT: "Deleterious"; PolyPhen-2: "Probably Damaging"; Align-GVGD: "Class C0"). In summary, the available evidence is currently insufficient to determine the role of this variant in disease. Therefore, it has been classified as a Variant of Uncertain Significance.